The following is an entry in ClinVar:

NM_181303.2(NLGN3):c.1248G>A (p.Gly416=)

Gene: NLGN3 (neuroligin 3; plus strand). Cytogenetic location: Xq13.1.
Variant type: single nucleotide variant.
Coding change: c.1248G>A on transcript NM_181303.2 (MANE Select); coding-DNA position 1248, G replaced by A.
Protein change: p.Gly416=; no amino-acid change (glycine 416 retained).
Molecular consequence: synonymous variant.
Genome position (GRCh38, 1-based): chrX:71,167,345, G>A. VCF-style: chrX-71167345-G-A. GRCh37 (hg19) VCF-style: chrX-70387195-G-A.
Other names: c.1128G>A, p.Gly376= (NM_001166660.2); c.837G>A, p.Gly279= (NM_001321276.2); c.1188G>A, p.Gly396= (NM_018977.4).
Identifiers: ClinVar variation 3778399 (VCV003778399.7).

ClinVar aggregate classification (germline): Likely benign (1 of 4 stars; one submission).

Submission:

CeGaT Center for Human Genetics Tuebingen
Classification: Likely benign. Last evaluated: 2025-03-01. Review status: criteria provided, single submitter. Criteria: CeGaT Center For Human Genetics Tuebingen Variant Classification Criteria Version 2. Collection method: clinical testing. Allele origin: germline. Affected: yes. Observed: 1 variant allele.
Comment: NLGN3: PM2:Supporting, BP4, BP7